The following is an entry in ClinVar:

ClinVar aggregate classification (germline): Uncertain significance (1 of 4 stars; one submission).

Conditions:
Chromosome 1q21.1 deletion syndrome. Also called: CHROMOSOME 1q21.1 DELETION SYNDROME, 1.35-MB; 1q21.1 recurrent microdeletion; 1q21.1 Deletion. Identifiers: Orphanet 250989, MedGen C2675897, MONDO:0012914, OMIM 612474.

Allele frequency attached by ClinVar (database versions not stated): gnomAD 0.00001.
gnomAD v4.1: 3 of 1,595,644 alleles (0.00019%); highest among the groups gnomAD compares: Admixed American, 0.0018%; no homozygotes.

Submission:

Centre for Mendelian Genomics, University Medical Centre Ljubljana
Classification: Uncertain significance for Chromosome 1q21.1 deletion syndrome. Last evaluated: 2019-04-18. Review status: criteria provided, single submitter. Criteria: ACMG Guidelines, 2015. Collection method: clinical testing. Allele origin: unknown. Affected: yes.
Comment: This variant was classified as: Uncertain significance. The available evidence on this variant's pathogenicity is insufficient or conflicting. The following ACMG criteria were applied in classifying this variant: PP2,BP4.

NM_005267.5(GJA8):c.1033G>A (p.Glu345Lys)

Gene: GJA8 (gap junction protein alpha 8; plus strand). Cytogenetic location: 1q21.2.
Variant type: single nucleotide variant.
Coding change: c.1033G>A on transcript NM_005267.5 (MANE Select); coding-DNA position 1033, G replaced by A.
Protein change: p.Glu345Lys; replaces glutamic acid 345 with lysine.
Molecular consequence: missense variant.
Genome position (GRCh38, 1-based): chr1:147,908,988, G>A. VCF-style: chr1-147908988-G-A. GRCh37 (hg19) VCF-style: chr1-147381115-G-A.
Other names: short protein forms E345K.
Identifiers: ClinVar variation 931889 (VCV000931889.3), dbSNP rs1553242966, ClinGen allele CA342226447.
Genomic context (GRCh38, chr1:147,908,988, plus strand): 5'-CAGGTGGGGGCACAAGAAGTGGAGGGCGAGGGGCCGCCTGCAGAGGAGGGAGCCGAACCC[G>A]AGGTGGGAGAGAAGAAGGAGGAAGCAGAGAGGCTGACCACGGAGGAGCAGGAGAAGGTGG-3'
Protein context (NP_005258.2, residues 335-355): GPPAEEGAEP[Glu345Lys]VGEKKEEAER